The following is an entry in ClinVar:

NM_000352.6(ABCC8):c.4136G>A (p.Arg1379His)

Gene: ABCC8 (ATP binding cassette subfamily C member 8; minus strand). Cytogenetic location: 11p15.1.
Variant type: single nucleotide variant.
Coding change: c.4136G>A on transcript NM_000352.6 (MANE Select); coding-DNA position 4136, G replaced by A.
Protein change: p.Arg1379His; replaces arginine 1379 with histidine.
Molecular consequence: missense variant. On other transcripts: non-coding transcript variant (1).
Genome position (GRCh38, 1-based): chr11:17,395,914, C>T on the plus strand (G>A on the coding strand, the complement: ABCC8 is on the minus strand). VCF-style: chr11-17395914-C-T. GRCh37 (hg19) VCF-style: chr11-17417461-C-T.
Other names: c.4139G>A, p.Arg1380His (NM_001287174.3); c.4202G>A, p.Arg1401His (NM_001351295.2); c.4136G>A, p.Arg1379His (NM_001351296.2); c.4133G>A, p.Arg1378His (NM_001351297.2); short protein forms R1379H, R1380H, R1378H, R1401H.
Identifiers: ClinVar variation 585346 (VCV000585346.12), dbSNP rs193922401, ClinGen allele CA379788416.

ClinVar aggregate classification (germline): Pathogenic/Likely pathogenic. Review status: criteria provided, multiple submitters, no conflicts (2 of 4 stars). 6 submissions from 6 submitters: Pathogenic (2); Likely pathogenic (4). Last evaluated 2026-07-13.

Conditions:
ABCC8-related disorder.
Maturity-onset diabetes of the young (MODY). Also called: Maturity onset diabetes mellitus in young. Identifiers: Orphanet 552, MedGen C0342276, MONDO:0018911, HP:0004904.
Monogenic diabetes. Identifiers: Orphanet 183625, MedGen C3888631, MONDO:0015967.

Allele frequency attached by ClinVar (database versions not stated): TOPMed below 0.00001; gnomAD 0.00001; gnomAD exomes 0.00001.
gnomAD v4.1: 5 of 1,585,350 alleles (0.00032%); highest among the groups gnomAD compares: Non-Finnish European, 0.00034%; no homozygotes.

Submissions (6):

PreventionGenetics, part of Exact Sciences
Classification: Likely pathogenic for ABCC8-related condition. Last evaluated: 2026-07-13. Review status: criteria provided, single submitter. Criteria: ACMG Guidelines, 2015. Collection method: clinical testing. Allele origin: germline.
Comment: The ABCC8 c.4136G>A variant is predicted to result in the amino acid substitution p.Arg1379His. This variant has been reported multiple times in individuals with neonatal diabetes (including, but not limited to Flanagan et al. 2007. PubMed ID: 17446535; Bowman et al. 2011. PubMed ID: 21989597; Riveline et al. 2011. PubMed ID: 22210575). This variant is reported in 0.011% of alleles in individuals of Ashkenazi Jewish descent in gnomAD. Different variants that affect this same amino acid residue (p.Arg1379Leu, p.Arg1379Ser, and p.Arg1379Cys) have been reported in association with disease (Rafiq et al. 2008. PubMed ID: 18025408; Bennett et al. 2015. PubMed ID: 25555642; Babenko et al. 2006. PubMed ID: 16885549), suggesting the p.Arg1379 is a critical residue for typical protein function. This variant is interpreted as likely pathogenic.

Women's Health and Genetics/Laboratory Corporation of America, LabCorp
Classification: Pathogenic for Maturity-onset diabetes of the young. Last evaluated: 2026-03-06. Review status: criteria provided, single submitter. Criteria: LabCorp Variant Classification Summary - May 2015. Collection method: clinical testing. Allele origin: germline.
Comment: Variant summary: ABCC8 c.4136G>A (p.Arg1379His) results in a non-conservative amino acid change located in the ABC transporter-like, ATP-binding domain (IPR003439) of the encoded protein sequence. Algorithms developed to predict the effect of missense changes on protein structure and function all suggest that this variant is likely to be disruptive. The frequency data for this variant in gnomAD is considered unreliable, as metrics indicate poor data quality at this position. c.4136G>A has been reported in multiple individuals affected with Neonatal Diabetes Mellitus/Maturity Onset Diabetes Of The Young (Bowman_2012, Flannagan_2007 and Bonfanti_2021). These data indicate that the variant is very likely to be associated with disease. A different variant affecting the same codon has been classified as likely pathogenic/pathogenic by our lab (c.4135C>T, c.4135C>T), supporting the critical relevance of codon 1379 to ABCC8 protein function. To our knowledge, no experimental evidence demonstrating an impact on protein function has been reported. The following publications have been ascertained in the context of this evaluation (PMID: 17446535, 21989597, 33606663). ClinVar contains an entry for this variant (Variation ID: 585346). Based on the evidence outlined above, the variant was classified as pathogenic.

Blueprint Genetics
Classification: Pathogenic for ABCC8-related disorders. Last evaluated: 2023-09-22. Review status: criteria provided, single submitter. Criteria: ACMG Guidelines, 2015. Collection method: clinical testing. Allele origin: germline. Affected: yes. Observed: 1 variant allele.

Genetic Services Laboratory, University of Chicago
Classification: Likely pathogenic. Last evaluated: 2022-01-17. Review status: criteria provided, single submitter. Criteria: ACMG Guidelines, 2015. Collection method: clinical testing. Allele origin: germline. Affected: yes.
Comment: DNA sequence analysis of the ABCC8 gene demonstrated a sequence change, c.4136G>A, in exon 34 that results in an amino acid change, p.Arg1379His. The p.Arg1379His change affects a highly conserved amino acid residue located in a domain of the ABCC8 protein that is known to be functional. The p.Arg1379His substitution appears to be deleterious using several in-silico pathogenicity prediction tools (SIFT, PolyPhen2, Align GVGD, REVEL). This sequence change has been described in the gnomAD database with a frequency of 0.011% in the Ashkenazi Jewish subpopulation (dbSNP rs193922401). This sequence change has been previously described in multiple individual and affected family members with neonatal diabetes/monogenic diabetes (PMID: 17446535, 21989597, 24622368, 33300273, 29207974, 22210575, 23093687, 27271189, 19342262, 17446535, 17389331). Additionally, other missense changes at this same position (p. Arg1379Cys, p. Arg1379Pro, p.Arg1379Leu, p. Arg1379Ser) have been reported in individuals with ABCC8-related diabetes (PMID: 16885549, 24622368, 27681997, 24622368, 18025408). This sequence change is the likely cause of this individual's phenotype, however functional studies have not been performed to prove this conclusively.

Broad Center for Mendelian Genomics, Broad Institute of MIT and Harvard
Classification: Likely pathogenic for Monogenic diabetes. Last evaluated: 2020-01-22. Review status: criteria provided, single submitter. Criteria: ACMG Guidelines, 2015. Collection method: curation. Allele origin: germline. Inheritance: Autosomal dominant inheritance.
Comment: The p.Arg1379His (sometimes called p.Arg1380His) variant in ABCC8 has been reported in 12 individuals with Monogenic Diabetes and segregated with disease in 5 affected relatives from 2 families (PMID: 22210575, 23093687, 27271189, 21989597, 19342262, 17446535, 17389331; DOI: 10.1016/j.clinph.2015.04.103). Data from large population studies is insufficient to assess the frequency of this variant. Please note that for diseases with clinical variability, or reduced penetrance, pathogenic variants may be present at a low frequency in the general population. This variant has also been reported likely pathogenic in ClinVar (Variation ID: 585346). Computational prediction tools and conservation analyses suggest that this variant may impact the protein, though this information is not predictive enough to determine pathogenicity. Three additional variants, each with a different amino acid change at the same position, (p.Arg1379Leu, p.Arg1379Ser, and p.Arg1379Cys), have been reported in association with disease in the literature and ClinVar, supporting that a change at this position may not be tolerated (PMID: 18025464; Variation ID: 9105, 35614, 35615). In summary, although additional studies are required to fully establish its clinical significance, this variant is likely pathogenic. ACMG/AMP Criteria applied: PM5, PP1_Moderate, PP3, PS4_moderate (Richards 2015).

Athena Diagnostics
Classification: Likely pathogenic. Last evaluated: 2017-09-28. Review status: criteria provided, single submitter. Criteria: Athena Diagnostics Criteria. Collection method: clinical testing. Allele origin: germline.

Literature cited by the submitters: PubMed 17446535 (cited by 3 submitters); PubMed 21989597 (cited by 3 submitters); PubMed 33606663 (cited by Women's Health and Genetics/Laboratory Corporation of America, LabCorp); PubMed 19342262 (cited by Broad Center for Mendelian Genomics, Broad Institute of MIT and Harvard and Athena Diagnostics); PubMed 17389331 (cited by Broad Center for Mendelian Genomics, Broad Institute of MIT and Harvard and Athena Diagnostics); PubMed 27271189 (cited by Athena Diagnostics); PubMed 24622368 (cited by Athena Diagnostics); PubMed 22210575 (cited by Athena Diagnostics); PubMed 23093687 (cited by Athena Diagnostics).